The following is an entry in ClinVar:

NM_014704.4(CEP104):c.1031del (p.Lys344fs)

Gene: CEP104 (centrosomal protein 104; minus strand). Cytogenetic location: 1p36.32.
Variant type: Deletion.
Coding change: c.1031del on transcript NM_014704.4 (MANE Select); coding-DNA position 1031, one base deleted (A; older notation c.1031delA).
Protein change: p.Lys344fs; shifts the reading frame from lysine 344.
Molecular consequence: frameshift variant.
Genome position (GRCh38, 1-based): chr1:3,837,380, T deleted on the plus strand (A on the coding strand, the reverse complement: CEP104 is on the minus strand); the first of 4 consecutive T bases (chr1:3,837,380-3,837,383); deleting any one gives the same sequence. VCF-style (leftmost placement, unchanged base first): chr1-3837379-CT-C. GRCh37 (hg19) VCF-style: chr1-3753943-CT-C.
Other names: short protein forms K344fs.
Identifiers: ClinVar variation 4812090 (VCV004812090.2).

ClinVar aggregate classification (germline): Pathogenic/Likely pathogenic. Review status: criteria provided, multiple submitters, no conflicts (2 of 4 stars). 2 submissions from 2 submitters: Pathogenic (1); Likely pathogenic (1). Last evaluated 2025-10-01.

Conditions:
CEP104-related disorders.
Joubert syndrome 25 (JBTS25). Identifiers: Orphanet 475, MedGen C4084842, MONDO:0014770, OMIM 616781.

Submissions (2):

Labcorp Genetics (formerly Invitae), Labcorp
Classification: Pathogenic for Joubert syndrome 25. Last evaluated: 2025-10-01. Review status: criteria provided, single submitter. Criteria: Invitae Variant Classification Sherloc (09022015). Collection method: clinical testing. Allele origin: germline.
Comment: This sequence change creates a premature translational stop signal (p.Lys344Serfs*7) in the CEP104 gene. It is expected to result in an absent or disrupted protein product. Loss-of-function variants in CEP104 are known to be pathogenic (PMID: 26477546). This variant is not present in population databases (gnomAD no frequency). This variant has not been reported in the literature in individuals affected with CEP104-related conditions. For these reasons, this variant has been classified as Pathogenic.

Blueprint Genetics
Classification: Likely pathogenic for CEP104-related disorders. Last evaluated: 2021-04-21. Review status: criteria provided, single submitter. Criteria: ACMG Guidelines, 2015. Collection method: clinical testing. Allele origin: germline. Affected: yes. Observed: 1 variant allele.

Literature cited by the submitters: PubMed 26477546 (cited by Labcorp Genetics (formerly Invitae), Labcorp).